The following is an entry in ClinVar:

ClinVar aggregate classification (germline): Uncertain significance (1 of 4 stars; one submission).

gnomAD v4.1: 4 of 1,610,850 alleles (0.00025%); highest among the groups gnomAD compares: Non-Finnish European, 0.00034%; no homozygotes.

Submission:

Labcorp Genetics (formerly Invitae), Labcorp
Classification: Uncertain significance. Last evaluated: 2025-08-13. Review status: criteria provided, single submitter. Criteria: Invitae Variant Classification Sherloc (09022015). Collection method: clinical testing. Allele origin: germline.
Comment: This sequence change replaces lysine, which is basic and polar, with arginine, which is basic and polar, at codon 1469 of the MYH14 protein (p.Lys1469Arg). This variant is present in population databases (rs754564991, gnomAD 0.003%). This variant has not been reported in the literature in individuals affected with MYH14-related conditions. Invitae Evidence Modeling of protein sequence and biophysical properties (such as structural, functional, and spatial information, amino acid conservation, physicochemical variation, residue mobility, and thermodynamic stability) has been performed for this missense variant. However, the output from this modeling did not meet the statistical confidence thresholds required to predict the impact of this variant on MYH14 protein function. Algorithms developed to predict the effect of sequence changes on RNA splicing suggest that this variant may create or strengthen a splice site. In summary, the available evidence is currently insufficient to determine the role of this variant in disease. Therefore, it has been classified as a Variant of Uncertain Significance.

NM_001145809.2(MYH14):c.4529A>G (p.Lys1510Arg)

Gene: MYH14 (myosin heavy chain 14; plus strand). Cytogenetic location: 19q13.33.
Variant type: single nucleotide variant.
Coding change: c.4529A>G on transcript NM_001145809.2 (MANE Select); coding-DNA position 4529, A replaced by G.
Protein change: p.Lys1510Arg; replaces lysine 1510 with arginine.
Molecular consequence: missense variant.
Genome position (GRCh38, 1-based): chr19:50,281,832, A>G. VCF-style: chr19-50281832-A-G. GRCh37 (hg19) VCF-style: chr19-50785089-A-G.
Other names: c.4430A>G, p.Lys1477Arg (NM_001077186.2); c.4406A>G, p.Lys1469Arg (NM_024729.4); short protein forms K1469R, K1510R, K1477R.
Identifiers: ClinVar variation 4711666 (VCV004711666.1).